The following is an entry in ClinVar:

NM_001184.4(ATR):c.6898-5T>G

Gene: ATR (ATR checkpoint kinase; minus strand). Cytogenetic location: 3q23.
Variant type: single nucleotide variant.
Coding change: c.6898-5T>G on transcript NM_001184.4 (MANE Select); 5 bases into the intron before coding-DNA position 6898, T replaced by G.
Molecular consequence: intron variant.
Genome position (GRCh38, 1-based): chr3:142,465,245, A>C on the plus strand (T>G on the coding strand, the complement: ATR is on the minus strand). VCF-style: chr3-142465245-A-C. GRCh37 (hg19) VCF-style: chr3-142184087-A-C.
Other names: c.6706-5T>G (NM_001354579.2).
Identifiers: ClinVar variation 2397804 (VCV002397804.2), dbSNP rs2108271495, ClinGen allele CA2580068894.

ClinVar aggregate classification (germline): Uncertain significance (1 of 4 stars; one submission).

Conditions:
Inborn genetic diseases. Identifiers: MedGen C0950123, MeSH D030342.

Allele frequency attached by ClinVar (database versions not stated): gnomAD exomes below 0.00001.
gnomAD v4.1: 1 of 1,608,578 alleles (0.000062%); highest among the groups gnomAD compares: Non-Finnish European, 0.000085%; no homozygotes.

Submission:

Ambry Genetics
Classification: Uncertain significance for Inborn genetic diseases. Last evaluated: 2020-11-04. Review status: criteria provided, single submitter. Criteria: Ambry Variant Classification Scheme 2023. Collection method: clinical testing. Allele origin: germline.
Comment: The c.6898-5T>G intronic alteration results from a T to G substitution 5 nucleotides before coding exon 41 in the ATR gene. Based on data from the Genome Aggregation Database (gnomAD), the ATR c.6898-5T>G alteration was not observed, with coverage at this position. In silico splice site analysis predicts that this alteration may result in the creation or strengthening of a novel splice acceptor site. Based on insufficient or conflicting evidence, the clinical significance of this alteration remains unclear.